The following is an entry in ClinVar:

NM_005502.4(ABCA1):c.5674G>A (p.Asp1892Asn)

Gene: ABCA1 (ATP binding cassette subfamily A member 1; minus strand). Cytogenetic location: 9q31.1.
Variant type: single nucleotide variant.
Coding change: c.5674G>A on transcript NM_005502.4 (MANE Select); coding-DNA position 5674, G replaced by A.
Protein change: p.Asp1892Asn; replaces aspartic acid 1892 with asparagine.
Molecular consequence: missense variant.
Genome position (GRCh38, 1-based): chr9:104,792,869, C>T on the plus strand (G>A on the coding strand, the complement: ABCA1 is on the minus strand). VCF-style: chr9-104792869-C-T. GRCh37 (hg19) VCF-style: chr9-107555150-C-T.
Other names: short protein forms D1892N.
Identifiers: ClinVar variation 4996525 (VCV004996525.1).

ClinVar aggregate classification (germline): Uncertain significance (1 of 4 stars; one submission).

Conditions:
ABCA1-related disorder. Also called: ABCA1-related disorders; ABCA1-related condition. Identifiers: MedGen CN239173.

gnomAD v4.1: 1 of 1,614,116 alleles (0.000062%); highest among the groups gnomAD compares: Non-Finnish European, 0.000085%; no homozygotes.

Submission:

PreventionGenetics, part of Exact Sciences
Classification: Uncertain significance for ABCA1-related condition. Last evaluated: 2026-01-21. Review status: criteria provided, single submitter. Criteria: ACMG Guidelines, 2015. Collection method: clinical testing. Allele origin: germline.
Comment: The ABCA1 c.5674G>A variant is predicted to result in the amino acid substitution p.Asp1892Asn. To our knowledge, this variant has not been reported in the literature. This variant is reported in 0.00088% of alleles in individuals of European (non-Finnish) descent in gnomAD. At this time, the clinical significance of this variant is uncertain due to the absence of conclusive functional and genetic evidence.